The following is an entry in ClinVar:

NM_199355.4(ADAMTS18):c.895G>C (p.Val299Leu)

Gene: ADAMTS18 (ADAM metallopeptidase with thrombospondin type 1 motif 18; minus strand). Cytogenetic location: 16q23.1.
Variant type: single nucleotide variant.
Coding change: c.895G>C on transcript NM_199355.4 (MANE Select); coding-DNA position 895, G replaced by C.
Protein change: p.Val299Leu; replaces valine 299 with leucine.
Molecular consequence: missense variant.
Genome position (GRCh38, 1-based): chr16:77,364,265, C>G on the plus strand (G>C on the coding strand, the complement: ADAMTS18 is on the minus strand). VCF-style: chr16-77364265-C-G. GRCh37 (hg19) VCF-style: chr16-77398162-C-G.
Other names: c.379G>C, p.Val127Leu (NM_001326358.2); short protein forms V127L, V299L.
Identifiers: ClinVar variation 2117034 (VCV002117034.1), dbSNP rs202167064, ClinGen allele CA396836716.

ClinVar aggregate classification (germline): Uncertain significance (1 of 4 stars; one submission).

gnomAD v4.1: 1 of 1,614,004 alleles (0.000062%); highest among the groups gnomAD compares: South Asian, 0.0011%; no homozygotes.

Submission:

Labcorp Genetics (formerly Invitae), Labcorp
Classification: Uncertain significance. Last evaluated: 2022-03-26. Review status: criteria provided, single submitter. Criteria: Invitae Variant Classification Sherloc (09022015). Collection method: clinical testing. Allele origin: germline.
Comment: This sequence change replaces valine, which is neutral and non-polar, with leucine, which is neutral and non-polar, at codon 299 of the ADAMTS18 protein (p.Val299Leu). This variant is not present in population databases (gnomAD no frequency). This variant has not been reported in the literature in individuals affected with ADAMTS18-related conditions. Algorithms developed to predict the effect of missense changes on protein structure and function are either unavailable or do not agree on the potential impact of this missense change (SIFT: "Not Available"; PolyPhen-2: "Probably Damaging"; Align-GVGD: "Not Available"). In summary, the available evidence is currently insufficient to determine the role of this variant in disease. Therefore, it has been classified as a Variant of Uncertain Significance.